The following is an entry in ClinVar:

ClinVar aggregate classification (germline): Uncertain significance (1 of 4 stars; one submission).

Allele frequency attached by ClinVar (database versions not stated): TOPMed below 0.00001; gnomAD 0.00001.

Submission:

GeneDx
Classification: Uncertain significance. Last evaluated: 2019-09-24. Review status: criteria provided, single submitter. Criteria: GeneDx Variant Classification Process June 2021. Collection method: clinical testing. Allele origin: germline. Affected: yes.
Comment: Not observed in large population cohorts (Lek et al., 2016); In silico analysis, which includes protein predictors and evolutionary conservation, supports a deleterious effect; Has not been previously published as pathogenic or benign to our knowledge

NM_000146.4(FTL):c.299C>T (p.Ala100Val)

Gene: FTL (ferritin light chain; plus strand). Cytogenetic location: 19q13.33.
Variant type: single nucleotide variant.
Coding change: c.299C>T on transcript NM_000146.4 (MANE Select); coding-DNA position 299, C replaced by T.
Protein change: p.Ala100Val; replaces alanine 100 with valine.
Molecular consequence: missense variant.
Genome position (GRCh38, 1-based): chr19:48,966,330, C>T. VCF-style: chr19-48966330-C-T. GRCh37 (hg19) VCF-style: chr19-49469587-C-T.
Other names: short protein forms A100V.
Identifiers: ClinVar variation 1312323 (VCV001312323.2), dbSNP rs1291717409, ClinGen allele CA406756782.